The following is an entry in ClinVar:

NM_033100.4(CDHR1):c.74del (p.Pro25fs)

Gene: CDHR1 (cadherin related family member 1; plus strand). Cytogenetic location: 10q23.1.
Variant type: Deletion.
Coding change: c.74del on transcript NM_033100.4 (MANE Select); coding-DNA position 74, one base deleted (C; older notation c.74delC).
Protein change: p.Pro25fs; shifts the reading frame from proline 25.
Molecular consequence: frameshift variant.
Genome position (GRCh38, 1-based): chr10:84,195,512, C deleted; the last of 4 consecutive C bases (chr10:84,195,509-84,195,512); deleting any one gives the same sequence. VCF-style (leftmost placement, unchanged base first): chr10-84195508-GC-G. GRCh37 (hg19) VCF-style: chr10-85955264-GC-G.
Other names: c.74del, p.Pro25fs (NM_001171971.3); short protein forms P25fs.
Identifiers: ClinVar variation 2131038 (VCV002131038.4), dbSNP rs2492460629, ClinGen allele CA2580082048.

ClinVar aggregate classification (germline): Pathogenic (1 of 4 stars; one submission).

Submission:

Labcorp Genetics (formerly Invitae), Labcorp
Classification: Pathogenic. Last evaluated: 2022-04-28. Review status: criteria provided, single submitter. Criteria: Invitae Variant Classification Sherloc (09022015). Collection method: clinical testing. Allele origin: germline.
Comment: This variant has not been reported in the literature in individuals affected with CDHR1-related conditions. This variant is not present in population databases (gnomAD no frequency). This sequence change creates a premature translational stop signal (p.Pro25Argfs*26) in the CDHR1 gene. It is expected to result in an absent or disrupted protein product. Loss-of-function variants in CDHR1 are known to be pathogenic (PMID: 23044944, 23591405, 26103963, 26261414). For these reasons, this variant has been classified as Pathogenic.

Literature cited by the submitters: PubMed 23044944; PubMed 23591405; PubMed 26103963; PubMed 26261414.